The following is an entry in ClinVar:

ClinVar aggregate classification (germline): Likely benign (1 of 4 stars; one submission).

Conditions:
Cornelia de Lange syndrome 6 (CDLS6). Identifiers: MedGen C5882712, MONDO:0957921, OMIM 620568.

Submission:

Centre for Medical Genetics,  Mumbai
Classification: Likely benign for Cornelia de Lange syndrome 6. Last evaluated: 2026-04-27. Review status: criteria provided, single submitter. Criteria: ACMG Guidelines, 2015. Collection method: provider interpretation. Allele origin: germline. Inheritance: Autosomal dominant inheritance. Affected: no. Observed: 1 variant allele, 1 heterozygote.
Comment: The variant satisfies PM2 criteria - extremely low frequency in gnomAD population databases. The variant satisfies PM4 criteria - protein length changes resulting from in-frame deletions/insertions in a non-repeat region or a stop-loss variant. However, the variant satisfies BS2 criteria - present in heterozygous state in an individual that clinically does not have Cornelia de Lange syndrome.

Literature cited by the submitters: PubMed 29379197.

NM_001379291.1(BRD4):c.3062_3088del (p.His1021_Pro1029del)

Gene: BRD4 (bromodomain containing 4; minus strand). Cytogenetic location: 19p13.12.
Variant type: Deletion.
Coding change: c.3062_3088del on transcript NM_001379291.1 (MANE Select); coding-DNA positions 3062 to 3088, 27 bases deleted (ATCCGCCCCCAGGCCAGCAGCCACCCC).
Protein change: p.His1021_Pro1029del.
Molecular consequence: inframe deletion.
Genome position (GRCh38, 1-based): chr19:15,242,981-15,243,007, GGGGTGGCTGCTGGCCTGGGGGCGGAT deleted on the plus strand (ATCCGCCCCCAGGCCAGCAGCCACCCC on the coding strand, the reverse complement: BRD4 is on the minus strand); deleting any 27 consecutive bases within chr19:15,242,981-15,243,011 gives the same sequence; the c. name uses the placement nearest the transcript's 3' end. VCF-style (leftmost placement, unchanged base first): chr19-15242980-GGGGGTGGCTGCTGGCCTGGGGGCGGAT-G. GRCh37 (hg19) VCF-style: chr19-15353791-GGGGGTGGCTGCTGGCCTGGGGGCGGAT-G.
Other names: c.3062_3088del, p.His1021_Pro1029del (NM_058243.3).
Identifiers: ClinVar variation 4852273 (VCV004852273.1).